The following is an entry in ClinVar:

ClinVar aggregate classification (germline): Uncertain significance. Review status: criteria provided, multiple submitters, no conflicts (2 of 4 stars). 4 submissions from 4 submitters: Uncertain significance (4). Last evaluated 2026-07-30.

Conditions:
MYH7B-related disorder. Also called: MYH7B-related condition.

Allele frequency attached by ClinVar (database versions not stated): gnomAD 0.00004 and 0.00005; ExAC 0.00006; gnomAD exomes 0.00006; TOPMed 0.00007; ESP Exome Variant Server 0.00008; 1000 Genomes Project 30x 0.00016.
gnomAD v4.1: 136 of 1,612,920 alleles (0.0084%); highest among the groups gnomAD compares: Middle Eastern, 0.083%; no homozygotes.

Submissions (4):

PreventionGenetics, part of Exact Sciences
Classification: Uncertain significance for MYH7B-related condition. Last evaluated: 2026-07-30. Review status: criteria provided, single submitter. Criteria: ACMG Guidelines, 2015. Collection method: clinical testing. Allele origin: germline.
Comment: The MYH7B c.3129G>T variant is predicted to result in the amino acid substitution p.Lys1043Asn. To our knowledge, this variant has not been reported in the literature. This variant is reported in 0.0098% of alleles in individuals of Ashkenazi Jewish descent in gnomAD. However, in gnomAD v4 (available only on GRCh38), this variant is reported in 136 alleles globally, which is likely too common for a highly penetrant pathogenic variant. Although we suspect that this variant may be benign, at this time, the clinical significance of this variant is uncertain due to the absence of conclusive functional and genetic evidence.

Labcorp Genetics (formerly Invitae), Labcorp
Classification: Uncertain significance. Last evaluated: 2025-10-03. Review status: criteria provided, single submitter. Criteria: Invitae Variant Classification Sherloc (09022015). Collection method: clinical testing. Allele origin: germline.
Comment: This sequence change replaces lysine, which is basic and polar, with asparagine, which is neutral and polar, at codon 1043 of the MYH7B protein (p.Lys1043Asn). This variant is present in population databases (rs199833535, gnomAD 0.01%). This variant has not been reported in the literature in individuals affected with MYH7B-related conditions. ClinVar contains an entry for this variant (Variation ID: 1434074). Invitae Evidence Modeling of protein sequence and biophysical properties (such as structural, functional, and spatial information, amino acid conservation, physicochemical variation, residue mobility, and thermodynamic stability) indicates that this missense variant is not expected to disrupt MYH7B protein function with a negative predictive value of 80%. In summary, the available evidence is currently insufficient to determine the role of this variant in disease. Therefore, it has been classified as a Variant of Uncertain Significance.

Ambry Genetics
Classification: Uncertain significance. Last evaluated: 2024-08-27. Review status: criteria provided, single submitter. Criteria: Ambry Variant Classification Scheme 2023. Collection method: clinical testing. Allele origin: germline.

Breakthrough Genomics
Classification: Uncertain significance. Review status: criteria provided, single submitter. Criteria: ACMG Guidelines, 2015. Collection method: not provided. Allele origin: germline. Inheritance: Autosomal dominant inheritance. Affected: yes.

NM_020884.7(MYH7B):c.3003G>T (p.Lys1001Asn)

Gene: MYH7B (myosin heavy chain 7B; plus strand). Cytogenetic location: 20q11.22.
Variant type: single nucleotide variant.
Coding change: c.3003G>T on transcript NM_020884.7 (MANE Select); coding-DNA position 3003, G replaced by T.
Protein change: p.Lys1001Asn; replaces lysine 1001 with asparagine.
Molecular consequence: missense variant.
Genome position (GRCh38, 1-based): chr20:34,996,405, G>T. VCF-style: chr20-34996405-G-T. GRCh37 (hg19) VCF-style: chr20-33584208-G-T.
Other names: c.3129G>T (NM_020884.3, NM_020884.4); short protein forms K1001N.
Identifiers: ClinVar variation 1434074 (VCV001434074.12), dbSNP rs199833535, ClinGen allele CA9827571.